The following is an entry in ClinVar:

NM_001844.5(COL2A1):c.3947A>G (p.Asn1316Ser)

Gene: COL2A1 (collagen type II alpha 1 chain; minus strand). Cytogenetic location: 12q13.11.
Variant type: single nucleotide variant.
Coding change: c.3947A>G on transcript NM_001844.5 (MANE Select); coding-DNA position 3947, A replaced by G.
Protein change: p.Asn1316Ser; replaces asparagine 1316 with serine.
Molecular consequence: missense variant.
Genome position (GRCh38, 1-based): chr12:47,974,802, T>C on the plus strand (A>G on the coding strand, the complement: COL2A1 is on the minus strand). VCF-style: chr12-47974802-T-C. GRCh37 (hg19) VCF-style: chr12-48368585-T-C.
Other names: c.3740A>G, p.Asn1247Ser (NM_033150.3); short protein forms N1247S, N1316S.
Identifiers: ClinVar variation 3614667 (VCV003614667.2).

ClinVar aggregate classification (germline): Uncertain significance (1 of 4 stars; one submission).

gnomAD v4.1: 4 of 1,614,230 alleles (0.00025%); highest among the groups gnomAD compares: Non-Finnish European, 0.00034%; no homozygotes.

Submission:

Labcorp Genetics (formerly Invitae), Labcorp
Classification: Uncertain significance. Last evaluated: 2024-04-01. Review status: criteria provided, single submitter. Criteria: Invitae Variant Classification Sherloc (09022015). Collection method: clinical testing. Allele origin: germline.
Comment: This sequence change replaces asparagine, which is neutral and polar, with serine, which is neutral and polar, at codon 1316 of the COL2A1 protein (p.Asn1316Ser). This variant is not present in population databases (gnomAD no frequency). This variant has not been reported in the literature in individuals affected with COL2A1-related conditions. Advanced modeling of protein sequence and biophysical properties (such as structural, functional, and spatial information, amino acid conservation, physicochemical variation, residue mobility, and thermodynamic stability) has been performed at Invitae for this missense variant, however the output from this modeling did not meet the statistical confidence thresholds required to predict the impact of this variant on COL2A1 protein function. In summary, the available evidence is currently insufficient to determine the role of this variant in disease. Therefore, it has been classified as a Variant of Uncertain Significance.